The following is an entry in ClinVar:

NM_013328.4(PYCR2):c.675C>G (p.Cys225Trp)

Gene: PYCR2 (pyrroline-5-carboxylate reductase 2; minus strand). Cytogenetic location: 1q42.12.
Variant type: single nucleotide variant.
Coding change: c.675C>G on transcript NM_013328.4 (MANE Select); coding-DNA position 675, C replaced by G.
Protein change: p.Cys225Trp; replaces cysteine 225 with tryptophan.
Molecular consequence: missense variant.
Genome position (GRCh38, 1-based): chr1:225,921,330, G>C on the plus strand (C>G on the coding strand, the complement: PYCR2 is on the minus strand). VCF-style: chr1-225921330-G-C. GRCh37 (hg19) VCF-style: chr1-226109030-G-C.
Other names: c.453C>G, p.Cys151Trp (NM_001271681.2); short protein forms C151W, C225W.
Identifiers: ClinVar variation 1303673 (VCV001303673.2), dbSNP rs150765933, ClinGen allele CA1420122.

ClinVar aggregate classification (germline): Uncertain significance (1 of 4 stars; one submission).

Allele frequency attached by ClinVar (database versions not stated): gnomAD exomes below 0.00001 and 0.00002; TOPMed below 0.00001; gnomAD 0.00001; ExAC 0.00002; ESP Exome Variant Server 0.00008.
gnomAD v4.1: 6 of 1,565,596 alleles (0.00038%); no homozygotes.

Submission:

GeneDx
Classification: Uncertain significance. Last evaluated: 2019-11-14. Review status: criteria provided, single submitter. Criteria: GeneDx Variant Classification Process June 2021. Collection method: clinical testing. Allele origin: germline. Affected: yes.
Comment: In silico analysis, which includes protein predictors and evolutionary conservation, supports that this variant does not alter protein structure/function; Has not been previously published as pathogenic or benign to our knowledge